The following is an entry in ClinVar:

NM_006267.5(RANBP2):c.5356G>T (p.Asp1786Tyr)

Gene: RANBP2 (RAN binding protein 2; plus strand). Cytogenetic location: 2q13.
Variant type: single nucleotide variant.
Coding change: c.5356G>T on transcript NM_006267.5 (MANE Select); coding-DNA position 5356, G replaced by T.
Protein change: p.Asp1786Tyr; replaces aspartic acid 1786 with tyrosine.
Molecular consequence: missense variant.
Genome position (GRCh38, 1-based): chr2:108,765,895, G>T. VCF-style: chr2-108765895-G-T. GRCh37 (hg19) VCF-style: chr2-109382351-G-T.
Other names: short protein forms D1786Y.
Identifiers: ClinVar variation 649908 (VCV000649908.11), dbSNP rs753417427, ClinGen allele CA1823268.

ClinVar aggregate classification (germline): Uncertain significance. Review status: criteria provided, multiple submitters, no conflicts (2 of 4 stars). 3 submissions from 3 submitters: Uncertain significance (3). Last evaluated 2026-07-23.

Conditions:
Familial acute necrotizing encephalopathy (IIAE3). Also called: Susceptibility to Acute Necrotizing Encephalopathy 1; ENCEPHALOPATHY, ACUTE, INFECTION-INDUCED, SUSCEPTIBILITY TO, 3. Identifiers: Orphanet 88619, MedGen C2675556, MONDO:0011953, OMIM 608033.
RANBP2-related disorder. Also called: RANBP2-related condition.

Allele frequency attached by ClinVar (database versions not stated): ExAC 0.00002; gnomAD 0.00002; TOPMed 0.00002; gnomAD exomes 0.00007.
gnomAD v4.1: 25 of 1,614,072 alleles (0.0015%); highest among the groups gnomAD compares: Admixed American, 0.038%; no homozygotes.

Submissions (3):

PreventionGenetics, part of Exact Sciences
Classification: Uncertain significance for RANBP2-related condition. Last evaluated: 2026-07-23. Review status: criteria provided, single submitter. Criteria: ACMG Guidelines, 2015. Collection method: clinical testing. Allele origin: germline.
Comment: The RANBP2 c.5356G>T variant is predicted to result in the amino acid substitution p.Asp1786Tyr. To our knowledge, this variant has not been reported in the literature. This variant is reported in 0.049% of alleles in individuals of Latino descent in gnomAD. At this time, the clinical significance of this variant is uncertain due to the absence of conclusive functional and genetic evidence.

Ambry Genetics
Classification: Uncertain significance. Last evaluated: 2024-01-04. Review status: criteria provided, single submitter. Criteria: Ambry Variant Classification Scheme 2023. Collection method: clinical testing. Allele origin: germline.

Labcorp Genetics (formerly Invitae), Labcorp
Classification: Uncertain significance for Familial acute necrotizing encephalopathy. Last evaluated: 2022-07-05. Review status: criteria provided, single submitter. Criteria: Invitae Variant Classification Sherloc (09022015). Collection method: clinical testing. Allele origin: germline.
Comment: Algorithms developed to predict the effect of missense changes on protein structure and function are either unavailable or do not agree on the potential impact of this missense change (SIFT: "Deleterious"; PolyPhen-2: "Probably Damaging"; Align-GVGD: "Class C15"). ClinVar contains an entry for this variant (Variation ID: 649908). This variant has not been reported in the literature in individuals affected with RANBP2-related conditions. This variant is present in population databases (rs753417427, gnomAD 0.05%), and has an allele count higher than expected for a pathogenic variant. This sequence change replaces aspartic acid, which is acidic and polar, with tyrosine, which is neutral and polar, at codon 1786 of the RANBP2 protein (p.Asp1786Tyr). Algorithms developed to predict the effect of sequence changes on RNA splicing suggest that this variant may create or strengthen a splice site. In summary, the available evidence is currently insufficient to determine the role of this variant in disease. Therefore, it has been classified as a Variant of Uncertain Significance.